The following is an entry in ClinVar:

NM_002029.4(FPR1):c.707C>G (p.Ser236Cys)

Gene: FPR1 (formyl peptide receptor 1; minus strand). Cytogenetic location: 19q13.41.
Variant type: single nucleotide variant.
Coding change: c.707C>G on transcript NM_002029.4 (MANE Select); coding-DNA position 707, C replaced by G.
Protein change: p.Ser236Cys; replaces serine 236 with cysteine.
Molecular consequence: missense variant.
Genome position (GRCh38, 1-based): chr19:51,746,288, G>C on the plus strand (C>G on the coding strand, the complement: FPR1 is on the minus strand). VCF-style: chr19-51746288-G-C. GRCh37 (hg19) VCF-style: chr19-52249541-G-C.
Other names: c.707C>G, p.Ser236Cys (NM_001193306.2); short protein forms S236C.
Identifiers: ClinVar variation 1345800 (VCV001345800.8), dbSNP rs371524501, ClinGen allele CA9616401.

ClinVar aggregate classification (germline): Uncertain significance (1 of 4 stars; one submission).

Conditions:
Gingival disorder. Also called: Gingival disease. Identifiers: MedGen C0017563, MONDO:0002021.

Allele frequency attached by ClinVar (database versions not stated): gnomAD exomes below 0.00001; ExAC 0.00001.

Submission:

Labcorp Genetics (formerly Invitae), Labcorp
Classification: Uncertain significance for Gingival disorder. Last evaluated: 2024-12-24. Review status: criteria provided, single submitter. Criteria: Invitae Variant Classification Sherloc (09022015). Collection method: clinical testing. Allele origin: germline.
Comment: This sequence change replaces serine, which is neutral and polar, with cysteine, which is neutral and slightly polar, at codon 236 of the FPR1 protein (p.Ser236Cys). This variant is present in population databases (rs371524501, gnomAD 0.006%). This variant has not been reported in the literature in individuals affected with FPR1-related conditions. ClinVar contains an entry for this variant (Variation ID: 1345800). An algorithm developed to predict the effect of missense changes on protein structure and function (PolyPhen-2) suggests that this variant is likely to be disruptive. In summary, the available evidence is currently insufficient to determine the role of this variant in disease. Therefore, it has been classified as a Variant of Uncertain Significance.